The following is an entry in ClinVar:

NM_001035.3(RYR2):c.7035A>T (p.Ala2345=)

Gene: RYR2 (ryanodine receptor 2; plus strand). Cytogenetic location: 1q43.
Variant type: single nucleotide variant.
Coding change: c.7035A>T on transcript NM_001035.3 (MANE Select); coding-DNA position 7035, A replaced by T.
Protein change: p.Ala2345=; no amino-acid change (alanine 2345 retained).
Molecular consequence: synonymous variant.
Genome position (GRCh38, 1-based): chr1:237,639,121, A>T. VCF-style: chr1-237639121-A-T. GRCh37 (hg19) VCF-style: chr1-237802421-A-T.
Identifiers: ClinVar variation 876433 (VCV000876433.11), dbSNP rs1681182291, ClinGen allele CA423819059.

ClinVar aggregate classification (germline): Conflicting classifications of pathogenicity. Review status: criteria provided, conflicting classifications (1 of 4 stars). 6 submissions from 5 submitters: Uncertain significance (2); Likely benign (4). Last evaluated 2024-12-06.

Conditions:
Catecholaminergic polymorphic ventricular tachycardia 1. Also called: RYR2-Related Catecholaminergic Polymorphic Ventricular Tachycardia; VENTRICULAR TACHYCARDIA, CATECHOLAMINERGIC POLYMORPHIC, 1, WITH OR WITHOUT ATRIAL DYSFUNCTION AND/OR DILATED CARDIOMYOPATHY; VENTRICULAR TACHYCARDIA, STRESS-INDUCED POLYMORPHIC 1. Identifiers: Orphanet 3286, MedGen C1631597, MONDO:0011484, OMIM 604772.
Arrhythmogenic right ventricular dysplasia 2. Identifiers: MedGen C1832931.
Catecholaminergic polymorphic ventricular tachycardia (CVPT). Also called: Catecholamine-induced polymorphic ventricular tachycardia. Identifiers: Orphanet 3286, MedGen C5574922, MONDO:0017990.
Cardiomyopathy (CMYO). Also called: Cardiomyopathies. Identifiers: Orphanet 167848, MedGen C0878544, MONDO:0004994, HP:0001638. Inheritance: Various modes of inheritance.

Allele frequency attached by ClinVar (database versions not stated): TOPMed below 0.00001.
gnomAD v4.1: 7 of 1,613,930 alleles (0.00043%); highest among the groups gnomAD compares: Non-Finnish European, 0.00059%; no homozygotes.

Submissions (6):

Labcorp Genetics (formerly Invitae), Labcorp
Classification: Likely benign for Catecholaminergic polymorphic ventricular tachycardia 1. Last evaluated: 2024-12-06. Review status: criteria provided, single submitter. Criteria: Invitae Variant Classification Sherloc (09022015). Collection method: clinical testing. Allele origin: germline.

All of Us Research Program, National Institutes of Health
Classification: Likely benign for Catecholaminergic polymorphic ventricular tachycardia. Last evaluated: 2023-12-18. Review status: criteria provided, single submitter. Criteria: ACMG Guidelines, 2015. Collection method: clinical testing. Allele origin: germline. Inheritance: Autosomal dominant inheritance. Observed: 3 variant alleles, 3 heterozygotes.
Comment: This study involves interpretation of variants in research participants for the purpose of population health screening. Participant phenotype was not available at the time of variant classification. Additional details can be found in publication PMID: 35346344, PMCID: PMC8962531

Blueprint Genetics
Classification: Likely benign. Last evaluated: 2023-05-02. Review status: criteria provided, single submitter. Criteria: ACMG Guidelines, 2015. Collection method: clinical testing. Allele origin: germline.

Color Diagnostics, LLC DBA Color Health
Classification: Likely benign for Cardiomyopathy. Last evaluated: 2019-03-11. Review status: criteria provided, single submitter. Criteria: ACMG Guidelines, 2015. Collection method: clinical testing. Allele origin: germline.

Illumina Laboratory Services, Illumina
Classification: Uncertain significance for Catecholaminergic polymorphic ventricular tachycardia 1. Last evaluated: 2018-01-13. Review status: criteria provided, single submitter. Criteria: ICSL Variant Classification Criteria 13 December 2019. Collection method: clinical testing. Allele origin: germline.

Illumina Laboratory Services, Illumina
Classification: Uncertain significance for Catecholaminergic polymorphic ventricular tachycardia 1. Last evaluated: 2018-01-13. Review status: criteria provided, single submitter. Criteria: ICSL Variant Classification Criteria 13 December 2019. Collection method: clinical testing. Allele origin: germline.